The following is an entry in ClinVar:

NM_016239.4(MYO15A):c.4875+1G>A

Gene: MYO15A (myosin XVA; plus strand). Cytogenetic location: 17p11.2.
Variant type: single nucleotide variant.
Coding change: c.4875+1G>A on transcript NM_016239.4 (MANE Select); the canonical splice donor site of the intron after coding-DNA position 4875, G replaced by A.
Molecular consequence: splice donor variant.
Genome position (GRCh38, 1-based): chr17:18,137,680, G>A. VCF-style: chr17-18137680-G-A. GRCh37 (hg19) VCF-style: chr17-18040994-G-A.
Identifiers: ClinVar variation 2829069 (VCV002829069.3), dbSNP rs2046303697, ClinGen allele CA398596945.

ClinVar aggregate classification (germline): Pathogenic (1 of 4 stars; one submission).

Submission:

Labcorp Genetics (formerly Invitae), Labcorp
Classification: Pathogenic. Last evaluated: 2023-01-16. Review status: criteria provided, single submitter. Criteria: Invitae Variant Classification Sherloc (09022015). Collection method: clinical testing. Allele origin: germline.
Comment: This variant is not present in population databases (gnomAD no frequency). This sequence change affects a donor splice site in intron 16 of the MYO15A gene. It is expected to disrupt RNA splicing. Variants that disrupt the donor or acceptor splice site typically lead to a loss of protein function (PMID: 16199547), and loss-of-function variants in MYO15A are known to be pathogenic (PMID: 17546645). Disruption of this splice site has been observed in individual(s) with MYO15A-related conditions (PMID: 34265623). It has also been observed to segregate with disease in related individuals. Algorithms developed to predict the effect of sequence changes on RNA splicing suggest that this variant may disrupt the consensus splice site. For these reasons, this variant has been classified as Pathogenic.

Literature cited by the submitters: PubMed 16199547; PubMed 17546645; PubMed 34265623.